The following is an entry in ClinVar:

ClinVar aggregate classification (germline): Likely benign. Review status: criteria provided, multiple submitters, no conflicts (2 of 4 stars). 2 submissions from 2 submitters: Likely benign (2). Last evaluated 2024-09-23.

Conditions:
Lethal congenital glycogen storage disease of heart. Also called: PHOSPHORYLASE KINASE DEFICIENCY OF HEART; GLYCOGEN STORAGE DISEASE OF HEART. Identifiers: Orphanet 439854, MedGen C1849813, MONDO:0009867, OMIM 261740.

Allele frequency attached by ClinVar (database versions not stated): gnomAD exomes below 0.00001; TOPMed below 0.00001; ExAC 0.00001.
gnomAD v4.1: 1 of 1,613,828 alleles (0.000062%); highest among the groups gnomAD compares: Admixed American, 0.0017%; no homozygotes.

Submissions (2):

Labcorp Genetics (formerly Invitae), Labcorp
Classification: Likely benign for Lethal congenital glycogen storage disease of heart. Last evaluated: 2024-09-23. Review status: criteria provided, single submitter. Criteria: Invitae Variant Classification Sherloc (09022015). Collection method: clinical testing. Allele origin: germline.

GeneDx
Classification: Likely benign. Last evaluated: 2016-02-22. Review status: criteria provided, single submitter. Criteria: GeneDx Variant Classification (06012015). Collection method: clinical testing. Allele origin: germline. Affected: yes.
Comment: This variant is considered likely benign or benign based on one or more of the following criteria: it is a conservative change, it occurs at a poorly conserved position in the protein, it is predicted to be benign by multiple in silico algorithms, and/or has population frequency not consistent with disease.

NM_016203.4(PRKAG2):c.1584+19T>C

Gene: PRKAG2 (protein kinase AMP-activated non-catalytic subunit gamma 2; minus strand). Cytogenetic location: 7q36.1.
Variant type: single nucleotide variant.
Coding change: c.1584+19T>C on transcript NM_016203.4 (MANE Select); 19 bases into the intron after coding-DNA position 1584, T replaced by C.
Molecular consequence: intron variant.
Genome position (GRCh38, 1-based): chr7:151,564,059, A>G on the plus strand (T>C on the coding strand, the complement: PRKAG2 is on the minus strand). VCF-style: chr7-151564059-A-G. GRCh37 (hg19) VCF-style: chr7-151261145-A-G.
Other names: c.1452+19T>C (NM_001040633.2); c.1209+19T>C (NM_001304527.2); c.1212+19T>C (NM_001363698.2); c.861+19T>C (NM_001304531.2, NM_024429.2).
Identifiers: ClinVar variation 384050 (VCV000384050.3), dbSNP rs775336252, ClinGen allele CA055394.
Genomic context (GRCh38, chr7:151,564,059, plus strand): 5'-GGCTTCCAGAGGCATCATTCACTACTGGGGACTTGTTGCAGTGGACGTCGGGGGAGCAGG[A>G]CTGGGAAAGCCGTCTCACCTCAGCTCTTACTATTCTGTCCACGATGGTCTCCAGTATTTC-3'